The following is an entry in ClinVar:

ClinVar aggregate classification (germline): Uncertain significance (1 of 4 stars; one submission).

Conditions:
Alagille syndrome due to a JAG1 point mutation. Also called: HEPATIC DUCTULAR HYPOPLASIA, SYNDROMATIC; Alagille Syndrome 1; JAG1-Related Alagille Syndrome. Identifiers: Orphanet 261619, Orphanet 52, MedGen C1956125, MONDO:0016862, OMIM 118450.

Submission:

Labcorp Genetics (formerly Invitae), Labcorp
Classification: Uncertain significance for Alagille syndrome due to a JAG1 point mutation. Last evaluated: 2021-05-28. Review status: criteria provided, single submitter. Criteria: Invitae Variant Classification Sherloc (09022015). Collection method: clinical testing. Allele origin: germline.
Comment: In summary, the available evidence is currently insufficient to determine the role of this variant in disease. Therefore, it has been classified as a Variant of Uncertain Significance. Algorithms developed to predict the effect of missense changes on protein structure and function are either unavailable or do not agree on the potential impact of this missense change (SIFT: "Deleterious"; PolyPhen-2: "Benign"; Align-GVGD: "Class C25"). This variant has not been reported in the literature in individuals with JAG1-related conditions. This variant is not present in population databases (ExAC no frequency). This sequence change replaces isoleucine with valine at codon 375 of the JAG1 protein (p.Ile375Val). The isoleucine residue is highly conserved and there is a small physicochemical difference between isoleucine and valine.

NM_000214.3(JAG1):c.1123A>G (p.Ile375Val)

Gene: JAG1 (jagged canonical Notch ligand 1; minus strand). Cytogenetic location: 20p12.2.
Variant type: single nucleotide variant.
Coding change: c.1123A>G on transcript NM_000214.3 (MANE Select); coding-DNA position 1123, A replaced by G.
Protein change: p.Ile375Val; replaces isoleucine 375 with valine.
Molecular consequence: missense variant.
Genome position (GRCh38, 1-based): chr20:10,650,358, T>C on the plus strand (A>G on the coding strand, the complement: JAG1 is on the minus strand). VCF-style: chr20-10650358-T-C. GRCh37 (hg19) VCF-style: chr20-10631006-T-C.
Other names: short protein forms I375V.
Identifiers: ClinVar variation 1368881 (VCV001368881.8), dbSNP rs2122611687, ClinGen allele CA408238613.